The following is an entry in ClinVar:

NM_020800.3(IFT80):c.1285A>G (p.Ile429Val)

Genes: TRIM59-IFT80 (TRIM59-IFT80 readthrough (NMD candidate); minus strand), IFT80 (intraflagellar transport 80; minus strand). Cytogenetic location: 3q25.33.
Variant type: single nucleotide variant.
Coding change: c.1285A>G on transcript NM_020800.3 (MANE Select); coding-DNA position 1285, A replaced by G.
Protein change: p.Ile429Val; replaces isoleucine 429 with valine.
Molecular consequence: missense variant. On other transcripts: non-coding transcript variant (3).
Genome position (GRCh38, 1-based): chr3:160,300,913, T>C on the plus strand (A>G on the coding strand, the complement: IFT80 is on the minus strand). VCF-style: chr3-160300913-T-C. GRCh37 (hg19) VCF-style: chr3-160018701-T-C.
Other names: c.874A>G, p.Ile292Val (NM_001190241.2, NM_001190242.2); short protein forms I429V, I292V.
Identifiers: ClinVar variation 2118860 (VCV002118860.3), dbSNP rs1301728017, ClinGen allele CA355193539.

ClinVar aggregate classification (germline): Uncertain significance (1 of 4 stars; one submission).

Conditions:
Jeune thoracic dystrophy. Also called: Infantile thoracic dystrophy; Thoracic pelvic phalangeal dystrophy; Jeune's syndrome; Chondroectodermal dysplasia-like syndrome; Short-rib thoracic dysplasia; Jeune syndrome. Identifiers: Orphanet 474, MedGen C0265275, MONDO:0018770.

Allele frequency attached by ClinVar (database versions not stated): gnomAD exomes below 0.00001; TOPMed below 0.00001; gnomAD 0.00001.
gnomAD v4.1: 3 of 1,609,314 alleles (0.00019%); highest among the groups gnomAD compares: East Asian, 0.0022%; no homozygotes.

Submission:

Labcorp Genetics (formerly Invitae), Labcorp
Classification: Uncertain significance for Jeune thoracic dystrophy. Last evaluated: 2022-10-13. Review status: criteria provided, single submitter. Criteria: Invitae Variant Classification Sherloc (09022015). Collection method: clinical testing. Allele origin: germline.
Comment: In summary, the available evidence is currently insufficient to determine the role of this variant in disease. Therefore, it has been classified as a Variant of Uncertain Significance. Advanced modeling of protein sequence and biophysical properties (such as structural, functional, and spatial information, amino acid conservation, physicochemical variation, residue mobility, and thermodynamic stability) performed at Invitae indicates that this missense variant is not expected to disrupt IFT80 protein function. This variant has not been reported in the literature in individuals affected with IFT80-related conditions. This variant is present in population databases (no rsID available, gnomAD 0.003%). This sequence change replaces isoleucine, which is neutral and non-polar, with valine, which is neutral and non-polar, at codon 429 of the IFT80 protein (p.Ile429Val).